The following is an entry in ClinVar:

ClinVar aggregate classification (germline): Uncertain significance (1 of 4 stars; one submission).

gnomAD v4.1: 13 of 1,613,786 alleles (0.00081%); highest among the groups gnomAD compares: Admixed American, 0.013%; no homozygotes.

Submission:

Labcorp Genetics (formerly Invitae), Labcorp
Classification: Uncertain significance. Last evaluated: 2024-12-17. Review status: criteria provided, single submitter. Criteria: Invitae Variant Classification Sherloc (09022015). Collection method: clinical testing. Allele origin: germline.
Comment: This sequence change falls in intron 5 of the SUCO gene. It does not directly change the encoded amino acid sequence of the SUCO protein. It affects a nucleotide within the consensus splice site. This variant is present in population databases (rs760382528, gnomAD 0.02%). This variant has not been reported in the literature in individuals affected with SUCO-related conditions. Variants that disrupt the consensus splice site are a relatively common cause of aberrant splicing (PMID: 17576681, 9536098). Algorithms developed to predict the effect of sequence changes on RNA splicing suggest that this variant is not likely to affect RNA splicing. In summary, the available evidence is currently insufficient to determine the role of this variant in disease. Therefore, it has been classified as a Variant of Uncertain Significance.

Literature cited by the submitters: PubMed 17576681; PubMed 9536098.

NM_014283.5(SUCO):c.581+4G>T

Gene: SUCO (SUN domain containing ossification factor; plus strand). Cytogenetic location: 1q24.3.
Variant type: single nucleotide variant.
Coding change: c.581+4G>T on transcript NM_014283.5 (MANE Select); 4 bases into the intron after coding-DNA position 581, G replaced by T.
Molecular consequence: intron variant.
Genome position (GRCh38, 1-based): chr1:172,557,421, G>T. VCF-style: chr1-172557421-G-T. GRCh37 (hg19) VCF-style: chr1-172526561-G-T.
Other names: c.1055+4G>T (NM_016227.4); c.-949+4G>T (NM_001282751.2); c.470+4G>T (NM_001282750.2).
Identifiers: ClinVar variation 3705141 (VCV003705141.2).